The following is an entry in ClinVar:

ClinVar aggregate classification (germline): Uncertain significance (1 of 4 stars; one submission).

Conditions:
Dilated cardiomyopathy 1W (CMD1W). Identifiers: Orphanet 154, MedGen C1969639, MONDO:0012667, OMIM 611407.

Allele frequency attached by ClinVar (database versions not stated): gnomAD exomes below 0.00001; gnomAD 0.00001.
gnomAD v4.1: 6 of 1,614,106 alleles (0.00037%); highest among the groups gnomAD compares: Non-Finnish European, 0.00051%; no homozygotes.

Submission:

Labcorp Genetics (formerly Invitae), Labcorp
Classification: Uncertain significance for Dilated cardiomyopathy 1W. Last evaluated: 2025-07-20. Review status: criteria provided, single submitter. Criteria: Invitae Variant Classification Sherloc (09022015). Collection method: clinical testing. Allele origin: germline.
Comment: This sequence change replaces histidine, which is basic and polar, with tyrosine, which is neutral and polar, at codon 974 of the VCL protein (p.His974Tyr). This variant is not present in population databases (gnomAD no frequency). This variant has not been reported in the literature in individuals affected with VCL-related conditions. ClinVar contains an entry for this variant (Variation ID: 2913562). An algorithm developed to predict the effect of missense changes on protein structure and function (PolyPhen-2) suggests that this variant is likely to be disruptive. In summary, the available evidence is currently insufficient to determine the role of this variant in disease. Therefore, it has been classified as a Variant of Uncertain Significance.

NM_014000.3(VCL):c.2920C>T (p.His974Tyr)

Gene: VCL (vinculin; plus strand). Cytogenetic location: 10q22.2.
Variant type: single nucleotide variant.
Coding change: c.2920C>T on transcript NM_014000.3 (MANE Select); coding-DNA position 2920, C replaced by T.
Protein change: p.His974Tyr; replaces histidine 974 with tyrosine.
Molecular consequence: missense variant. On other transcripts: intron variant (1).
Genome position (GRCh38, 1-based): chr10:74,112,083, C>T. VCF-style: chr10-74112083-C-T. GRCh37 (hg19) VCF-style: chr10-75871841-C-T.
Other names: c.2746-2101C>T (NM_003373.4); short protein forms H974Y.
Identifiers: ClinVar variation 2913562 (VCV002913562.3), dbSNP rs1840233897, ClinGen allele CA377264873.